The following is an entry in ClinVar:

ClinVar aggregate classification (germline): Likely benign. Review status: criteria provided, multiple submitters, no conflicts (2 of 4 stars). 2 submissions from 2 submitters: Likely benign (2). Last evaluated 2025-08-18.

Conditions:
Glycogen storage disease, type VII (GSD7). Also called: MUSCLE PHOSPHOFRUCTOKINASE DEFICIENCY; PFKM DEFICIENCY; TARUI DISEASE; GSD VII. Identifiers: Orphanet 371, MedGen C0017926, MONDO:0009295, OMIM 232800.

Allele frequency attached by ClinVar (database versions not stated): gnomAD 0.00001; gnomAD exomes 0.00002 and 0.00005; ExAC 0.00005; 1000 Genomes Project 30x 0.00016.
gnomAD v4.1: 32 of 1,613,740 alleles (0.002%); highest among the groups gnomAD compares: South Asian, 0.034%; no homozygotes.

Submissions (2):

Labcorp Genetics (formerly Invitae), Labcorp
Classification: Likely benign for Glycogen storage disease, type VII. Last evaluated: 2025-08-18. Review status: criteria provided, single submitter. Criteria: Invitae Variant Classification Sherloc (09022015). Collection method: clinical testing. Allele origin: germline.

GeneDx
Classification: Likely benign. Last evaluated: 2016-11-03. Review status: criteria provided, single submitter. Criteria: GeneDx Variant Classification (06012015). Collection method: clinical testing. Allele origin: germline. Affected: yes.
Comment: This variant is considered likely benign or benign based on one or more of the following criteria: it is a conservative change, it occurs at a poorly conserved position in the protein, it is predicted to be benign by multiple in silico algorithms, and/or has population frequency not consistent with disease.

NM_000289.6(PFKM):c.2085C>T (p.Tyr695=)

Gene: PFKM (phosphofructokinase, muscle; plus strand). Cytogenetic location: 12q13.11.
Variant type: single nucleotide variant.
Coding change: c.2085C>T on transcript NM_000289.6 (MANE Select); coding-DNA position 2085, C replaced by T.
Protein change: p.Tyr695=; no amino-acid change (tyrosine 695 retained).
Molecular consequence: synonymous variant. On other transcripts: non-coding transcript variant (6).
Genome position (GRCh38, 1-based): chr12:48,145,123, C>T. VCF-style: chr12-48145123-C-T. GRCh37 (hg19) VCF-style: chr12-48538906-C-T.
Other names: c.2298C>T, p.Tyr766= (NM_001166686.2, NM_001354737.1, NM_001354738.1 and 1 more transcripts); c.2085C>T, p.Tyr695= (NM_001166687.2, NM_001166688.2, NM_001354742.2 and 2 more transcripts); c.2394C>T, p.Tyr798= (NM_001354735.1, NM_001354736.1); c.2229C>T, p.Tyr743= (NM_001354740.1); c.2109C>T, p.Tyr703= (NM_001354741.2); c.1998C>T, p.Tyr666= (NM_001354745.2); c.1959C>T, p.Tyr653= (NM_001354746.2); c.1935C>T, p.Tyr645= (NM_001354747.2, NM_001354748.2); and 1 more.
Identifiers: ClinVar variation 390282 (VCV000390282.8), dbSNP rs745739278, ClinGen allele CA6537523.
Genomic context (GRCh38, chr12:48,145,123, plus strand): 5'-TGCCACTAAGATGGGCGCCAAGGCTATGAACTGGATGTCTGGGAAAATCAAAGAGAGTTA[C>T]CGTAATGGTAGGTGGGGTGAGAGCGAGTGCCCTCTATAGAGGCTGGTTCCCCAGTATAGA-3'
Protein context (NP_000280.1, residues 685-705): NWMSGKIKES[Tyr695=]RNGRIFANTP